The following is an entry in ClinVar:

ClinVar aggregate classification (germline): Likely benign. Review status: criteria provided, multiple submitters, no conflicts (2 of 4 stars). 5 submissions from 5 submitters: Likely benign (4). 1 of the submissions does not count toward it. Last evaluated 2025-12-01.

Conditions:
MCM2-related disorder. Also called: MCM2-related condition.

Allele frequency attached by ClinVar (database versions not stated): ESP Exome Variant Server 0.00008; gnomAD 0.00013 and 0.00014; TOPMed 0.00016.
gnomAD v4.1: 296 of 1,614,036 alleles (0.018%); highest among the groups gnomAD compares: Middle Eastern, 0.033%; no homozygotes.

Submissions (5):

CeGaT Center for Human Genetics Tuebingen
Classification: Likely benign. Last evaluated: 2025-12-01. Review status: criteria provided, single submitter. Criteria: CeGaT Center For Human Genetics Tuebingen Variant Classification Criteria Version 2. Collection method: clinical testing. Allele origin: germline. Affected: yes. Observed: 1 variant allele.
Comment: MCM2: BP4, BP7

Blueprint Genetics
Classification: Likely benign. Last evaluated: 2024-07-09. Review status: criteria provided, single submitter. Criteria: ACMG Guidelines, 2015. Collection method: clinical testing. Allele origin: germline.

Labcorp Genetics (formerly Invitae), Labcorp
Classification: Likely benign. Last evaluated: 2023-10-24. Review status: criteria provided, single submitter. Criteria: Invitae Variant Classification Sherloc (09022015). Collection method: clinical testing. Allele origin: germline.

GeneDx
Classification: Likely benign. Last evaluated: 2019-03-20. Review status: criteria provided, single submitter. Criteria: GeneDx Variant Classification Process June 2021. Collection method: clinical testing. Allele origin: germline. Affected: yes.

PreventionGenetics, part of Exact Sciences
Classification: Likely benign for MCM2-related condition. Last evaluated: 2024-03-27. Review status: no assertion criteria provided. Collection method: clinical testing. Allele origin: germline. Not counted in ClinVar's aggregate classification.
Comment: This variant is classified as likely benign based on ACMG/AMP sequence variant interpretation guidelines (Richards et al. 2015 PMID: 25741868, with internal and published modifications).

NM_004526.4(MCM2):c.1590G>A (p.Ser530=)

Gene: MCM2 (minichromosome maintenance complex component 2; plus strand). Cytogenetic location: 3q21.3.
Variant type: single nucleotide variant.
Coding change: c.1590G>A on transcript NM_004526.4 (MANE Select); coding-DNA position 1590, G replaced by A.
Protein change: p.Ser530=; no amino-acid change (serine 530 retained).
Molecular consequence: synonymous variant. On other transcripts: non-coding transcript variant (1).
Genome position (GRCh38, 1-based): chr3:127,616,935, G>A. VCF-style: chr3-127616935-G-A. GRCh37 (hg19) VCF-style: chr3-127335778-G-A.
Identifiers: ClinVar variation 1317066 (VCV001317066.14), dbSNP rs377737717, ClinGen allele CA2595956.
Genomic context (GRCh38, chr3:127,616,935, plus strand): 5'-GCACAAGGTACGTGGTGATATCAACGTGCTCTTGTGCGGAGACCCTGGCACAGCGAAGTC[G>A]CAGTTTCTCAAGTATATTGAGAAAGTGTCCAGCCGAGCCATCTTCACCACTGGCCAGGGG-3'
Protein context (NP_004517.2, residues 520-540): LLCGDPGTAK[Ser530=]QFLKYIEKVS